The following is an entry in ClinVar:

NM_007194.4(CHEK2):c.-28C>T

Gene: CHEK2 (checkpoint kinase 2; minus strand). Cytogenetic location: 22q12.1.
Variant type: single nucleotide variant.
Coding change: c.-28C>T on transcript NM_007194.4 (MANE Select); 28 bases upstream of the start codon, C replaced by T.
Molecular consequence: 5 prime UTR variant.
Genome position (GRCh38, 1-based): chr22:28,741,790, G>A on the plus strand (C>T on the coding strand, the complement: CHEK2 is on the minus strand). VCF-style: chr22-28741790-G-A. GRCh37 (hg19) VCF-style: chr22-29137778-G-A.
Other names: c.-28C>T (NM_001005735.3, NM_001349956.3, NM_145862.3); c.-805C>T (NM_001257387.3).
Identifiers: ClinVar variation 381773 (VCV000381773.1), dbSNP rs1057520952, ClinGen allele CA16608621.

ClinVar aggregate classification (germline): Likely benign (1 of 4 stars; one submission).

gnomAD v4.1: 4 of 482,338 alleles (0.00083%); highest among the groups gnomAD compares: East Asian, 0.0038%; no homozygotes.

Submission:

GeneDx
Classification: Likely benign. Last evaluated: 2016-10-11. Review status: criteria provided, single submitter. Criteria: GeneDx Variant Classification (06012015). Collection method: clinical testing. Allele origin: germline. Affected: yes.
Comment: This variant is considered likely benign or benign based on one or more of the following criteria: it is a conservative change, it occurs at a poorly conserved position in the protein, it is predicted to be benign by multiple in silico algorithms, and/or has population frequency not consistent with disease.